The following is an entry in ClinVar:

NM_000553.6(WRN):c.1551T>A (p.Asn517Lys)

Gene: WRN (WRN RecQ like helicase; plus strand). Cytogenetic location: 8p12.
Variant type: single nucleotide variant.
Coding change: c.1551T>A on transcript NM_000553.6 (MANE Select); coding-DNA position 1551, T replaced by A.
Protein change: p.Asn517Lys; replaces asparagine 517 with lysine.
Molecular consequence: missense variant.
Genome position (GRCh38, 1-based): chr8:31,087,895, T>A. VCF-style: chr8-31087895-T-A. GRCh37 (hg19) VCF-style: chr8-30945411-T-A.
Other names: short protein forms N517K.
Identifiers: ClinVar variation 1037820 (VCV001037820.3), dbSNP rs1813597925, ClinGen allele CA370924845.
Genomic context (GRCh38, chr8:31,087,895, plus strand): 5'-GGAAAGAAATCTGGGTCTTCCTACTAAAGAAGAAGAAGAAGATGATGAAAATGAAGCTAA[T>A]GAAGGGGAAGAAGATGATGATAAGGGTAAGCACTGAAGTATGTTTGAAATGACTCACCTG-3'
Protein context (NP_000544.2, residues 507-527): EEEEDDENEA[Asn517Lys]EGEEDDDKDF

ClinVar aggregate classification (germline): Uncertain significance (1 of 4 stars; one submission).

Conditions:
Werner syndrome (WRN). Identifiers: Orphanet 902, MedGen C0043119, MONDO:0010196, OMIM 277700.

Submission:

Labcorp Genetics (formerly Invitae), Labcorp
Classification: Uncertain significance for Werner syndrome. Last evaluated: 2020-02-26. Review status: criteria provided, single submitter. Criteria: Invitae Variant Classification Sherloc (09022015). Collection method: clinical testing. Allele origin: germline.
Comment: This sequence change replaces asparagine with lysine at codon 517 of the WRN protein (p.Asn517Lys). The asparagine residue is weakly conserved and there is a moderate physicochemical difference between asparagine and lysine. This variant is not present in population databases (ExAC no frequency). This variant has not been reported in the literature in individuals with WRN-related conditions. Algorithms developed to predict the effect of missense changes on protein structure and function are either unavailable or do not agree on the potential impact of this missense change (SIFT: "Not available"; PolyPhen-2: "Benign"; Align-GVGD: "Not available"). In summary, the available evidence is currently insufficient to determine the role of this variant in disease. Therefore, it has been classified as a Variant of Uncertain Significance.